The following is an entry in ClinVar:

ClinVar aggregate classification (germline): Uncertain significance (1 of 4 stars; one submission).

Submission:

Labcorp Genetics (formerly Invitae), Labcorp
Classification: Uncertain significance. Last evaluated: 2022-10-22. Review status: criteria provided, single submitter. Criteria: Invitae Variant Classification Sherloc (09022015). Collection method: clinical testing. Allele origin: germline.
Comment: Algorithms developed to predict the effect of missense changes on protein structure and function are either unavailable or do not agree on the potential impact of this missense change (SIFT: "Not Available"; PolyPhen-2: "Benign"; Align-GVGD: "Not Available"). This sequence change replaces arginine, which is basic and polar, with leucine, which is neutral and non-polar, at codon 237 of the HMCN1 protein (p.Arg237Leu). This variant is present in population databases (no rsID available, gnomAD 0.04%). This variant has not been reported in the literature in individuals affected with HMCN1-related conditions. In summary, the available evidence is currently insufficient to determine the role of this variant in disease. Therefore, it has been classified as a Variant of Uncertain Significance.

NM_031935.3(HMCN1):c.709_710inv (p.Arg237Leu)

Gene: HMCN1 (hemicentin 1; plus strand). Cytogenetic location: 1q31.1.
Variant type: Inversion.
Coding change: c.709_710inv on transcript NM_031935.3 (MANE Select).
Protein change: p.Arg237Leu; replaces arginine 237 with leucine.
Molecular consequence: missense variant.
Genome position: GRCh38 VCF-style: chr1-185909424-AG-CT. GRCh37 (hg19) VCF-style: chr1-185878556-AG-CT.
Other names: short protein forms R237L.
Identifiers: ClinVar variation 1942921 (VCV001942921.5), ClinGen allele CA2580061662.